The following is an entry in ClinVar:

NM_001365536.1(SCN9A):c.1793G>A (p.Arg598His)

Genes: SCN9A (sodium voltage-gated channel alpha subunit 9; minus strand), SCN1A-AS1 (SCN1A and SCN9A antisense RNA 1; plus strand). Cytogenetic location: 2q24.3.
Variant type: single nucleotide variant.
Coding change: c.1793G>A on transcript NM_001365536.1 (MANE Select); coding-DNA position 1793, G replaced by A.
Protein change: p.Arg598His; replaces arginine 598 with histidine.
Molecular consequence: missense variant.
Genome position (GRCh38, 1-based): chr2:166,284,634, C>T on the plus strand (G>A on the coding strand, the complement: SCN9A is on the minus strand). VCF-style: chr2-166284634-C-T. GRCh37 (hg19) VCF-style: chr2-167141144-C-T.
Other names: c.1793G>A, p.Arg598His (NM_002977.4); short protein forms R598H.
Identifiers: ClinVar variation 331986 (VCV000331986.45), dbSNP rs201318927, ClinGen allele CA1944429.

ClinVar aggregate classification (germline): Conflicting classifications of pathogenicity. Review status: criteria provided, conflicting classifications (1 of 4 stars). 8 submissions from 6 submitters: Uncertain significance (3); Benign (1); Likely benign (4). Last evaluated 2026-01-15.

Conditions:
Inborn genetic diseases. Identifiers: MedGen C0950123, MeSH D030342.
Paroxysmal extreme pain disorder (PEXPD). Also called: SCN9A Paroxysmal Extreme Pain Disorder (SCN9A-PEPD); PAIN, SUBMANDIBULAR, OCULAR, AND RECTAL, WITH FLUSHING; RECTAL PAIN, FAMILIAL. Identifiers: Orphanet 46348, MedGen C1833661, MONDO:0008179, OMIM 167400.
Neuropathy, hereditary sensory and autonomic, type 2A (HSAN2A). Also called: WNK1-Related HSAN2 (HSAN2A); ACROOSTEOLYSIS, GIACCAI TYPE; ACROOSTEOLYSIS, NEUROGENIC; NEUROPATHY, CONGENITAL SENSORY; NEUROPATHY, HEREDITARY SENSORY RADICULAR, AUTOSOMAL RECESSIVE; NEUROPATHY, HEREDITARY SENSORY, TYPE IIA. Identifiers: Orphanet 970, MedGen C2752089, MONDO:0024309, OMIM 201300.
Generalized epilepsy with febrile seizures plus, type 7 (GEFSP7). Also called: GEFS+, TYPE 7. Identifiers: Orphanet 36387, MedGen C2751778, MONDO:0013470, OMIM 613863.
Primary erythromelalgia. Also called: SCN9A Erythromelalgia (SCN9A-EM); primary erythermalgia. Identifiers: Orphanet 306577, Orphanet 90026, MedGen C0014805, MONDO:0007571, OMIM 133020.
Channelopathy-associated congenital insensitivity to pain, autosomal recessive. Also called: ASYMBOLIA FOR PAIN; CONGENITAL ANALGESIA, AUTOSOMAL RECESSIVE; Insensitivity to pain, channelopathy-associated. Identifiers: Orphanet 88642, Orphanet 970, MedGen C1855739, MONDO:0009459, OMIM 243000.

Allele frequency attached by ClinVar (database versions not stated): gnomAD 0.00004 and 0.00007; TOPMed 0.00005; 1000 Genomes Project 0.00020; 1000 Genomes Project 30x 0.00031.
gnomAD v4.1: 112 of 1,613,990 alleles (0.0069%); highest among the groups gnomAD compares: South Asian, 0.037%; no homozygotes.

Submissions (8):

Labcorp Genetics (formerly Invitae), Labcorp
Classification: Likely benign for Neuropathy, hereditary sensory and autonomic, type 2A; Generalized epilepsy with febrile seizures plus, type 7. Last evaluated: 2026-01-15. Review status: criteria provided, single submitter. Criteria: Invitae Variant Classification Sherloc (09022015). Collection method: clinical testing. Allele origin: germline.

Women's Health and Genetics/Laboratory Corporation of America, LabCorp
Classification: Likely benign. Last evaluated: 2025-12-29. Review status: criteria provided, single submitter. Criteria: LabCorp Variant Classification Summary - May 2015. Collection method: clinical testing. Allele origin: germline.
Comment: Variant summary: SCN9A c.1793G>A (p.Arg598His) results in a non-conservative amino acid change in the encoded protein sequence. Algorithms developed to predict the effect of missense changes on protein structure and function all suggest that this variant is likely to be disruptive. The variant allele was found at a frequency of 0.0001 in 249060 control chromosomes, predominantly at a frequency of 0.0012 within the Ashkenazi Jewish subpopulation in the gnomAD database. The observed variant frequency within Ashkenazi Jewish control individuals in the gnomAD database exceeds the estimated maximal expected allele frequency for disease-causing variants in SCN9A. To our knowledge, no occurrence of c.1793G>A in individuals affected with SCN9A-related conditions and no experimental evidence demonstrating its impact on protein function have been reported. ClinVar contains an entry for this variant (Variation ID: 331986). Based on the evidence outlined above, the variant was classified as likely benign.

Blueprint Genetics
Classification: Likely benign. Last evaluated: 2024-10-09. Review status: criteria provided, single submitter. Criteria: ACMG Guidelines, 2015. Collection method: clinical testing. Allele origin: germline.

CeGaT Center for Human Genetics Tuebingen
Classification: Uncertain significance. Last evaluated: 2023-08-01. Review status: criteria provided, single submitter. Criteria: CeGaT Center For Human Genetics Tuebingen Variant Classification Criteria Version 2. Collection method: clinical testing. Allele origin: germline. Affected: yes. Observed: 1 variant allele.
Comment: SCN9A: PM2

Ambry Genetics
Classification: Uncertain significance for Inborn genetic diseases. Last evaluated: 2022-02-21. Review status: criteria provided, single submitter. Criteria: Ambry Variant Classification Scheme 2023. Collection method: clinical testing. Allele origin: germline.
Comment: The p.R598H variant (also known as c.1793G>A), located in coding exon 11 of the SCN9A gene, results from a G to A substitution at nucleotide position 1793. The arginine at codon 598 is replaced by histidine, an amino acid with highly similar properties. This amino acid position is conserved. In addition, this alteration is predicted to be deleterious by in silico analysis. Based on the supporting evidence, this variant is unlikely to be causative of primary erythermalgia/small fiber neuropathy, and paroxysmal extreme pain disorder; however, its contribution to the development of congenital insensitivity to pain and hereditary sensory autonomic neuropathy type II is uncertain.

Illumina Laboratory Services, Illumina
Classification: Likely benign for Primary erythromelalgia. Last evaluated: 2018-01-12. Review status: criteria provided, single submitter. Criteria: ICSL Variant Classification Criteria 13 December 2019. Collection method: clinical testing. Allele origin: germline.
Comment: This variant was observed in the ICSL laboratory as part of a predisposition screen in an ostensibly healthy population. It had not been previously curated by ICSL or reported in the Human Gene Mutation Database (HGMD: prior to June 1st, 2018), and was therefore a candidate for classification through an automated scoring system. Utilizing variant allele frequency, disease prevalence and penetrance estimates, and inheritance mode, an automated score was calculated to assess if this variant is too frequent to cause the disease. Based on the score and internal cut-off values, a variant classified as likely benign is not then subjected to further curation. The score for this variant resulted in a classification of likely benign for this disease.

Illumina Laboratory Services, Illumina
Classification: Benign for Paroxysmal extreme pain disorder. Last evaluated: 2018-01-12. Review status: criteria provided, single submitter. Criteria: ICSL Variant Classification Criteria 13 December 2019. Collection method: clinical testing. Allele origin: germline.
Comment: This variant was observed in the ICSL laboratory as part of a predisposition screen in an ostensibly healthy population. It had not been previously curated by ICSL or reported in the Human Gene Mutation Database (HGMD: prior to June 1st, 2018), and was therefore a candidate for classification through an automated scoring system. Utilizing variant allele frequency, disease prevalence and penetrance estimates, and inheritance mode, an automated score was calculated to assess if this variant is too frequent to cause the disease. Based on the score and internal cut-off values, a variant classified as benign is not then subjected to further curation. The score for this variant resulted in a classification of benign for this disease.

Illumina Laboratory Services, Illumina
Classification: Uncertain significance for Channelopathy-associated congenital insensitivity to pain, autosomal recessive. Last evaluated: 2018-01-12. Review status: criteria provided, single submitter. Criteria: ICSL Variant Classification Criteria 13 December 2019. Collection method: clinical testing. Allele origin: germline.